The following is an entry in ClinVar:

NM_006237.4(POU4F1):c.888C>G (p.Leu296=)

Genes: OBI1-AS1 (OBI1 antisense RNA 1; plus strand), POU4F1 (POU class 4 homeobox 1; minus strand). Cytogenetic location: 13q31.1.
Variant type: single nucleotide variant.
Coding change: c.888C>G on transcript NM_006237.4 (MANE Select); coding-DNA position 888, C replaced by G.
Protein change: p.Leu296=; no amino-acid change (leucine 296 retained).
Molecular consequence: synonymous variant.
Genome position (GRCh38, 1-based): chr13:78,601,787, G>C on the plus strand (C>G on the coding strand, the complement: POU4F1 is on the minus strand). VCF-style: chr13-78601787-G-C. GRCh37 (hg19) VCF-style: chr13-79175922-G-C.
Identifiers: ClinVar variation 2643865 (VCV002643865.24), dbSNP rs527938587, ClinGen allele CA7012564.

ClinVar aggregate classification (germline): Likely benign (1 of 4 stars; one submission).

Allele frequency attached by ClinVar (database versions not stated): gnomAD 0.00012; gnomAD exomes 0.00027; ExAC 0.00069; 1000 Genomes Project 30x 0.00078; 1000 Genomes Project 0.00080.

Submission:

CeGaT Center for Human Genetics Tuebingen
Classification: Likely benign. Last evaluated: 2023-10-01. Review status: criteria provided, single submitter. Criteria: CeGaT Center For Human Genetics Tuebingen Variant Classification Criteria Version 2. Collection method: clinical testing. Allele origin: germline. Affected: yes. Observed: 1 variant allele.
Comment: POU4F1: BP4, BP7, BS1